The following is an entry in ClinVar:

NM_005006.7(NDUFS1):c.1990T>G (p.Tyr664Asp)

Gene: NDUFS1 (NADH:ubiquinone oxidoreductase core subunit S1; minus strand). Cytogenetic location: 2q33.3.
Variant type: single nucleotide variant.
Coding change: c.1990T>G on transcript NM_005006.7 (MANE Select); coding-DNA position 1990, T replaced by G.
Protein change: p.Tyr664Asp; replaces tyrosine 664 with aspartic acid.
Molecular consequence: missense variant.
Genome position (GRCh38, 1-based): chr2:206,126,739, A>C on the plus strand (T>G on the coding strand, the complement: NDUFS1 is on the minus strand). VCF-style: chr2-206126739-A-C. GRCh37 (hg19) VCF-style: chr2-206991463-A-C.
Other names: c.1882T>G, p.Tyr628Asp (NM_001199981.2); c.1657T>G, p.Tyr553Asp (NM_001199982.2); c.1819T>G, p.Tyr607Asp (NM_001199983.2); c.2032T>G, p.Tyr678Asp (NM_001199984.2); short protein forms Y553D, Y607D, Y628D, Y664D, Y678D.
Identifiers: ClinVar variation 2671708 (VCV002671708.1), dbSNP rs1691308226, ClinGen allele CA350041758.

ClinVar aggregate classification (germline): Uncertain significance (1 of 4 stars; one submission).

Conditions:
Mitochondrial complex I deficiency, nuclear type 5. Also called: Mitochondrial complex 1 deficiency, nuclear type 5. Identifiers: MedGen C4748754, MONDO:0032610, OMIM 618226.

Allele frequency attached by ClinVar (database versions not stated): gnomAD exomes below 0.00001; gnomAD 0.00001.
gnomAD v4.1: 2 of 1,614,056 alleles (0.00012%); highest among the groups gnomAD compares: South Asian, 0.0022%; no homozygotes.

Submission:

Neuberg Centre For Genomic Medicine, NCGM
Classification: Uncertain significance for Mitochondrial complex I deficiency, nuclear type 5. Last evaluated: 2023-02-14. Review status: criteria provided, single submitter. Criteria: ACMG Guidelines, 2015. Collection method: clinical testing. Allele origin: germline. Inheritance: Autosomal recessive inheritance. Affected: yes.
Comment: The missense c.1990T>G (p.Tyr664Asp) variant in NDUFS1 gene has not been reported previously as a pathogenic variant nor as a benign variant, to our knowledge. The p.Tyr664Asp variant is novel (not in any individuals) in gnomAD Exomes and 1000 Genomes. This variant has not been reported to the ClinVar database. The amino acid change p.Tyr664Asp in NDUFS1 is predicted as conserved by GERP++ and PhyloP across 100 vertebrates. The amino acid Tyr at position 664 is changed to a Asp changing protein sequence and it might alter its composition and physico-chemical properties. For these reasons, this variant has been classified as a Variant of Uncertain Significance (VUS).